The following is an entry in ClinVar:

NM_000780.4(CYP7A1):c.559A>G (p.Ile187Val)

Gene: CYP7A1 (cytochrome P450 family 7 subfamily A member 1; minus strand). Cytogenetic location: 8q12.1.
Variant type: single nucleotide variant.
Coding change: c.559A>G on transcript NM_000780.4 (MANE Select); coding-DNA position 559, A replaced by G.
Protein change: p.Ile187Val; replaces isoleucine 187 with valine.
Molecular consequence: missense variant.
Genome position (GRCh38, 1-based): chr8:58,496,953, T>C on the plus strand (A>G on the coding strand, the complement: CYP7A1 is on the minus strand). VCF-style: chr8-58496953-T-C. GRCh37 (hg19) VCF-style: chr8-59409512-T-C.
Other names: p.Ile187Val; short protein forms I187V.
Identifiers: ClinVar variation 2234186 (VCV002234186.4), dbSNP rs770963981, ClinGen allele CA4756780.

ClinVar aggregate classification (germline): Uncertain significance. Review status: criteria provided, multiple submitters, no conflicts (2 of 4 stars). 3 submissions from 3 submitters: Uncertain significance (3). Last evaluated 2025-09-10.

Conditions:
CYP7A1-related disorder. Also called: CYP7A1-related condition.

Allele frequency attached by ClinVar (database versions not stated): ExAC 0.00001; TOPMed 0.00002; gnomAD 0.00003.

Submissions (3):

Mayo Clinic Laboratories, Mayo Clinic
Classification: Uncertain significance. Last evaluated: 2025-09-10. Review status: criteria provided, single submitter. Criteria: ACMG Guidelines, 2015. Collection method: clinical testing. Allele origin: germline. Observed: 1 variant allele.
Comment: BP4_moderate, PM2_supporting

PreventionGenetics, part of Exact Sciences
Classification: Uncertain significance for CYP7A1-related condition. Last evaluated: 2025-05-14. Review status: criteria provided, single submitter. Criteria: ACMG Guidelines, 2015. Collection method: clinical testing. Allele origin: germline.
Comment: The CYP7A1 c.559A>G variant is predicted to result in the amino acid substitution p.Ile187Val. To our knowledge, this variant has not been reported in the literature. This variant is reported in 0.0054% of alleles in individuals of East Asian descent in gnomAD. At this time, the clinical significance of this variant is uncertain due to the absence of conclusive functional and genetic evidence.

Ambry Genetics
Classification: Uncertain significance. Last evaluated: 2021-06-22. Review status: criteria provided, single submitter. Criteria: Ambry Variant Classification Scheme 2023. Collection method: clinical testing. Allele origin: germline.